The following is an entry in ClinVar:

NM_014956.5(CEP164):c.1220C>T (p.Ser407Phe)

Gene: CEP164 (centrosomal protein 164; plus strand). Cytogenetic location: 11q23.3.
Variant type: single nucleotide variant.
Coding change: c.1220C>T on transcript NM_014956.5 (MANE Select); coding-DNA position 1220, C replaced by T.
Protein change: p.Ser407Phe; replaces serine 407 with phenylalanine.
Molecular consequence: missense variant.
Genome position (GRCh38, 1-based): chr11:117,373,818, C>T. VCF-style: chr11-117373818-C-T. GRCh37 (hg19) VCF-style: chr11-117244534-C-T.
Other names: c.1220C>T, p.Ser407Phe (NM_001271933.2); short protein forms S407F.
Identifiers: ClinVar variation 864363 (VCV000864363.35), dbSNP rs150314805, ClinGen allele CA6294674.

ClinVar aggregate classification (germline): Conflicting classifications of pathogenicity. Review status: criteria provided, conflicting classifications (1 of 4 stars). 8 submissions from 8 submitters: Uncertain significance (5); Likely benign (2). 1 of the submissions does not count toward it. Last evaluated 2026-01-26.

Conditions:
Nephronophthisis 15 (NPHP15). Identifiers: Orphanet 3156, MedGen C3541853, MONDO:0013917, OMIM 614845.
CEP164-related disorder. Also called: CEP164-related condition.
Retinal dystrophy. Also called: Inherited retinal dystrophy. Identifiers: Orphanet 71862, MedGen C0854723, MeSH D058499, MONDO:0019118, HP:0000556.

Allele frequency attached by ClinVar (database versions not stated): TOPMed 0.00071; gnomAD exomes 0.00072 and 0.00102; gnomAD 0.00080 and 0.00084; ExAC 0.00082; ESP Exome Variant Server 0.00108.
gnomAD v4.1: 1,585 of 1,614,024 alleles (0.098%); highest among the groups gnomAD compares: Non-Finnish European, 0.13%; 3 homozygotes.

Submissions (8):

Labcorp Genetics (formerly Invitae), Labcorp
Classification: Uncertain significance for Nephronophthisis 15. Last evaluated: 2026-01-26. Review status: criteria provided, single submitter. Criteria: Invitae Variant Classification Sherloc (09022015). Collection method: clinical testing. Allele origin: germline.
Comment: This sequence change replaces serine, which is neutral and polar, with phenylalanine, which is neutral and non-polar, at codon 407 of the CEP164 protein (p.Ser407Phe). This variant is present in population databases (rs150314805, gnomAD 0.1%), and has an allele count higher than expected for a pathogenic variant. This variant has not been reported in the literature in individuals affected with CEP164-related conditions. ClinVar contains an entry for this variant (Variation ID: 864363). An algorithm developed to predict the effect of missense changes on protein structure and function (PolyPhen-2) suggests that this variant is likely to be disruptive. In summary, the available evidence is currently insufficient to determine the role of this variant in disease. Therefore, it has been classified as a Variant of Uncertain Significance.

Women's Health and Genetics/Laboratory Corporation of America, LabCorp
Classification: Uncertain significance. Last evaluated: 2025-09-04. Review status: criteria provided, single submitter. Criteria: LabCorp Variant Classification Summary - May 2015. Collection method: clinical testing. Allele origin: germline.
Comment: Variant summary: CEP164 c.1220C>T (p.Ser407Phe) results in a non-conservative amino acid change in the encoded protein sequence. Algorithms developed to predict the effect of missense changes on protein structure and function are either unavailable or do not agree on the potential impact of this missense change. The variant allele was found at a frequency of 0.00072 in 251428 control chromosomes, predominantly at a frequency of 0.0014 within the Non-Finnish European subpopulation in the gnomAD database. This frequency is not significantly higher than estimated for disease-causing variants in CEP164, allowing no conclusion about variant significance. c.1220C>T has been observed in two individuals affected with pancreatic cancer, without strong evidence for causality (Smith_2016). These report(s) do not provide unequivocal conclusions about association of the variant with Nephronophthisis 15. To our knowledge, no experimental evidence demonstrating an impact on protein function has been reported. The following publication has been ascertained in the context of this evaluation (PMID: 26546047). ClinVar contains an entry for this variant (Variation ID: 864363). Based on the evidence outlined above, the variant was classified as uncertain significance.

Blueprint Genetics
Classification: Likely benign. Last evaluated: 2024-11-21. Review status: criteria provided, single submitter. Criteria: ACMG Guidelines, 2015. Collection method: clinical testing. Allele origin: germline.

GeneDx
Classification: Uncertain significance. Last evaluated: 2023-06-12. Review status: criteria provided, single submitter. Criteria: GeneDx Variant Classification Process June 2021. Collection method: clinical testing. Allele origin: germline. Affected: yes.
Comment: Identified in a patient with personal and family history of pancreatic cancer, however, additional clinical history and familial segregation information were not included (Smith et al., 2016); In silico analysis supports that this missense variant has a deleterious effect on protein structure/function; This variant is associated with the following publications: (PMID: 34426522, 26546047)

Institute of Human Genetics, Univ. Regensburg, Univ. Regensburg
Classification: Uncertain significance for Retinal dystrophy. Last evaluated: 2023-01-01. Review status: criteria provided, single submitter. Criteria: ACMG Guidelines, 2015. Collection method: clinical testing. Allele origin: germline. Affected: yes.

Fulgent Genetics
Classification: Uncertain significance for Nephronophthisis 15. Last evaluated: 2022-05-17. Review status: criteria provided, single submitter. Criteria: ACMG Guidelines, 2015. Collection method: clinical testing. Allele origin: unknown.

CeGaT Center for Human Genetics Tuebingen
Classification: Likely benign. Last evaluated: 2022-03-01. Review status: criteria provided, single submitter. Criteria: CeGaT Center For Human Genetics Tuebingen Variant Classification Criteria Version 2. Collection method: clinical testing. Allele origin: germline. Affected: yes. Observed: 1 variant allele.
Comment: CEP164: BP4

PreventionGenetics, part of Exact Sciences
Classification: Likely benign for CEP164-related condition. Last evaluated: 2020-03-28. Review status: no assertion criteria provided. Collection method: clinical testing. Allele origin: germline. Not counted in ClinVar's aggregate classification.
Comment: This variant is classified as likely benign based on ACMG/AMP sequence variant interpretation guidelines (Richards et al. 2015 PMID: 25741868, with internal and published modifications).

Literature cited by the submitters: PubMed 26546047 (cited by Women's Health and Genetics/Laboratory Corporation of America, LabCorp and Institute of Human Genetics, Univ. Regensburg, Univ. Regensburg); PubMed 3442652 (cited by Institute of Human Genetics, Univ. Regensburg, Univ. Regensburg).